The following is an entry in ClinVar:

NM_020822.3(KCNT1):c.3516CCA[3] (p.His1173dup)

Gene: KCNT1 (potassium sodium-activated channel subfamily T member 1; plus strand). Cytogenetic location: 9q34.3.
Variant type: Microsatellite.
Coding change: c.3516CCA[3] on transcript NM_020822.3 (MANE Select); three copies in a row of the 3-base unit CCA starting at c.3516; the reference has two copies in a row; one copy, 3 bases duplicated.
Protein change: p.His1173dup; duplicates histidine 1173.
Molecular consequence: inframe insertion.
Genome position (GRCh38, 1-based): chr9:135,791,813-135,791,815, CCA duplicated; duplicating any 3 consecutive bases within chr9:135,791,809-135,791,815 gives the same sequence; the position shown is the placement nearest the transcript's 3' end. VCF-style (leftmost placement, unchanged base first): chr9-135791808-G-GACC. GRCh37 (hg19) VCF-style: chr9-138683654-G-GACC.
Other names: c.3444CCA[3], p.His1149dup (NM_001272003.2).
Identifiers: ClinVar variation 1312692 (VCV001312692.5), dbSNP rs1290067674, ClinGen allele CA2580617149.

ClinVar aggregate classification (germline): Uncertain significance. Review status: criteria provided, multiple submitters, no conflicts (2 of 4 stars). 2 submissions from 2 submitters: Uncertain significance (2). Last evaluated 2023-12-04.

Conditions:
Developmental and epileptic encephalopathy, 14 (DEE14). Also called: Early infantile epileptic encephalopathy 14. Identifiers: Orphanet 293181, MedGen C3554195, MONDO:0013989, OMIM 614959.
Autosomal dominant nocturnal frontal lobe epilepsy 5. Also called: KCNT1-Related Epilepsy; CILIARY DYSKINESIA, PRIMARY, 28, WITHOUT SITUS INVERSUS; CILIARY DYSKINESIA, PRIMARY, 28, WITH SITUS INVERSUS; Epilepsy, nocturnal frontal lobe, 5. Identifiers: Orphanet 98784, MedGen C3554306, MONDO:0014002, OMIM 615005.

Submissions (2):

Labcorp Genetics (formerly Invitae), Labcorp
Classification: Uncertain significance for Autosomal dominant nocturnal frontal lobe epilepsy 5; Developmental and epileptic encephalopathy, 14. Last evaluated: 2023-12-04. Review status: criteria provided, single submitter. Criteria: Invitae Variant Classification Sherloc (09022015). Collection method: clinical testing. Allele origin: germline.
Comment: This variant, c.3519_3521dup, results in the insertion of 1 amino acid(s) of the KCNT1 protein (p.His1173dup), but otherwise preserves the integrity of the reading frame. This variant is not present in population databases (gnomAD no frequency). This variant has not been reported in the literature in individuals affected with KCNT1-related conditions. ClinVar contains an entry for this variant (Variation ID: 1312692). In summary, the available evidence is currently insufficient to determine the role of this variant in disease. Therefore, it has been classified as a Variant of Uncertain Significance.

GeneDx
Classification: Uncertain significance. Last evaluated: 2020-06-29. Review status: criteria provided, single submitter. Criteria: GeneDx Variant Classification Process June 2021. Collection method: clinical testing. Allele origin: germline. Affected: yes.
Comment: Not observed in large population cohorts (Lek et al., 2016); In-frame insertion of 1 amino acid in a non-repeat region; Has not been previously published as pathogenic or benign to our knowledge